The following is an entry in ClinVar:

NM_000031.6(ALAD):c.397G>A (p.Gly133Arg)

Gene: ALAD (aminolevulinate dehydratase; minus strand). Cytogenetic location: 9q32.
Variant type: single nucleotide variant.
Coding change: c.397G>A on transcript NM_000031.6 (MANE Select); coding-DNA position 397, G replaced by A.
Protein change: p.Gly133Arg; replaces glycine 133 with arginine.
Molecular consequence: missense variant.
Genome position (GRCh38, 1-based): chr9:113,390,798, C>T on the plus strand (G>A on the coding strand, the complement: ALAD is on the minus strand). VCF-style: chr9-113390798-C-T. GRCh37 (hg19) VCF-style: chr9-116153078-C-T.
Other names: c.484G>A, p.Gly162Arg (NM_001003945.3); c.373G>A, p.Gly125Arg (NM_001317745.2); short protein forms G133R, G125R, G162R.
Identifiers: ClinVar variation 16862 (VCV000016862.12), dbSNP rs121912980, ClinGen allele CA126931.

ClinVar aggregate classification (germline): Likely pathogenic. Review status: criteria provided, multiple submitters, no conflicts (2 of 4 stars). 4 submissions from 4 submitters: Likely pathogenic (3). 1 of the submissions does not count toward it. Last evaluated 2023-03-22.

Conditions:
Porphobilinogen synthase deficiency. Also called: ALAD DEFICIENCY; DELTA-AMINOLEVULINATE DEHYDRATASE DEFICIENCY; DOSS PORPHYRIA; PORPHYRIA, ALAD; Porphyria due to ALA dehydratase deficiency. Identifiers: Orphanet 100924, MedGen C0268328, MONDO:0013000, OMIM 612740.

Allele frequency attached by ClinVar (database versions not stated): gnomAD exomes 0.00001; ExAC 0.00002; gnomAD 0.00005; TOPMed 0.00006.
gnomAD v4.1: 25 of 1,607,898 alleles (0.0016%); highest among the groups gnomAD compares: African/African-American, 0.011%; no homozygotes.

Submissions (4):

Revvity Omics, Revvity
Classification: Likely pathogenic for Porphobilinogen synthase deficiency. Last evaluated: 2023-03-22. Review status: criteria provided, single submitter. Criteria: ACMG Guidelines, 2015. Collection method: clinical testing. Allele origin: germline.

Greenwood Genetic Center Diagnostic Laboratories, Greenwood Genetic Center
Classification: Likely pathogenic for Porphobilinogen synthase deficiency. Last evaluated: 2022-11-14. Review status: criteria provided, single submitter. Criteria: ACMG Guidelines, 2015. Collection method: clinical testing. Allele origin: germline. Affected: yes.
Comment: PS3, PM1, PM3

Labcorp Genetics (formerly Invitae), Labcorp
Classification: Likely pathogenic. Last evaluated: 2021-08-02. Review status: criteria provided, single submitter. Criteria: Invitae Variant Classification Sherloc (09022015). Collection method: clinical testing. Allele origin: germline.
Comment: In summary, the currently available evidence indicates that the variant is pathogenic, but additional data are needed to prove that conclusively. Therefore, this variant has been classified as Likely Pathogenic. Nucleotide substitutions within the consensus splice site are a relatively common cause of aberrant splicing (PMID: 17576681, 9536098). RNA analysis indicates that this variant does not impact mRNA splicing (PMID: 2063868). Experimental studies have shown that this missense change affects ALAD protein function (PMID: 11071662, 11342419, 17236137, 19015748). Algorithms developed to predict the effect of missense changes on protein structure and function (SIFT, PolyPhen-2, Align-GVGD) all suggest that this variant is likely to be disruptive. ClinVar contains an entry for this variant (Variation ID: 16862). This missense change has been observed in individual(s) with clinical features of δ-aminolevulinic acid dehydratase deficiency porphyria (PMID: 2063868, 11071662). This variant is present in population databases (rs121912980, ExAC 0.02%). This sequence change replaces glycine with arginine at codon 133 of the ALAD protein (p.Gly133Arg). The glycine residue is highly conserved and there is a moderate physicochemical difference between glycine and arginine. This variant also falls at the last nucleotide of exon 5, which is part of the consensus splice site for this exon.

OMIM
Classification: Pathogenic for PORPHYRIA, ACUTE HEPATIC. Last evaluated: 1991-07-01. Review status: no assertion criteria provided. Collection method: literature only. Allele origin: germline. Not counted in ClinVar's aggregate classification.

Literature cited by the submitters: PubMed 17576681 (cited by Labcorp Genetics (formerly Invitae), Labcorp); PubMed 9536098 (cited by Labcorp Genetics (formerly Invitae), Labcorp); PubMed 2063868 (cited by Labcorp Genetics (formerly Invitae), Labcorp and OMIM); PubMed 11071662 (cited by Labcorp Genetics (formerly Invitae), Labcorp); PubMed 11342419 (cited by Labcorp Genetics (formerly Invitae), Labcorp); PubMed 17236137 (cited by Labcorp Genetics (formerly Invitae), Labcorp); PubMed 19015748 (cited by Labcorp Genetics (formerly Invitae), Labcorp); PubMed 3684400 (cited by OMIM).